The following is an entry in ClinVar:

NM_001244008.2(KIF1A):c.608+6T>C

Gene: KIF1A (kinesin family member 1A; minus strand). Cytogenetic location: 2q37.3.
Variant type: single nucleotide variant.
Coding change: c.608+6T>C on transcript NM_001244008.2 (MANE Select); 6 bases into the intron after coding-DNA position 608, T replaced by C.
Molecular consequence: intron variant.
Genome position (GRCh38, 1-based): chr2:240,786,329, A>G on the plus strand (T>C on the coding strand, the complement: KIF1A is on the minus strand). VCF-style: chr2-240786329-A-G. GRCh37 (hg19) VCF-style: chr2-241725746-A-G.
Other names: c.608+6T>C (NM_001379653.1, NM_001379650.1, NM_001379645.1 and 20 more transcripts).
Identifiers: ClinVar variation 1995830 (VCV001995830.4), dbSNP rs1575631624, ClinGen allele CA2580068068.

ClinVar aggregate classification (germline): Uncertain significance (1 of 4 stars; one submission).

Conditions:
Hereditary spastic paraplegia 30. Identifiers: Orphanet 101010, MedGen C5235139, MONDO:0012476.
Neuropathy, hereditary sensory, type 2C. Also called: Hereditary sensory and autonomic neuropathy type IIC; KIF1A-Related HSAN2 (HSAN2C). Identifiers: Orphanet 970, MedGen C3280168, MONDO:0013634, OMIM 614213.
Intellectual disability, autosomal dominant 9 (NESCAVS). Also called: NESCAV SYNDROME; KIF1A-Related Neurodevelopmental Disorder. Identifiers: Orphanet 662367, MedGen C5393830, MONDO:0013656, OMIM 614255.

Submission:

Labcorp Genetics (formerly Invitae), Labcorp
Classification: Uncertain significance for Hereditary spastic paraplegia 30; Neuropathy, hereditary sensory, type 2C; Intellectual disability, autosomal dominant 9. Last evaluated: 2022-12-27. Review status: criteria provided, single submitter. Criteria: Invitae Variant Classification Sherloc (09022015). Collection method: clinical testing. Allele origin: germline.
Comment: In summary, the available evidence is currently insufficient to determine the role of this variant in disease. Therefore, it has been classified as a Variant of Uncertain Significance. Variants that disrupt the consensus splice site are a relatively common cause of aberrant splicing (PMID: 17576681, 9536098). Algorithms developed to predict the effect of sequence changes on RNA splicing suggest that this variant is not likely to affect RNA splicing. This variant has not been reported in the literature in individuals affected with KIF1A-related conditions. This variant is not present in population databases (gnomAD no frequency). This sequence change falls in intron 5 of the KIF1A gene. It does not directly change the encoded amino acid sequence of the KIF1A protein. It affects a nucleotide within the consensus splice site.

Literature cited by the submitters: PubMed 17576681; PubMed 9536098.